The following is an entry in ClinVar:

NM_000256.3(MYBPC3):c.1786G>T (p.Gly596Trp)

Gene: MYBPC3 (myosin binding protein C3; minus strand). Cytogenetic location: 11p11.2.
Variant type: single nucleotide variant.
Coding change: c.1786G>T on transcript NM_000256.3 (MANE Select); coding-DNA position 1786, G replaced by T.
Protein change: p.Gly596Trp; replaces glycine 596 with tryptophan.
Molecular consequence: missense variant.
Genome position (GRCh38, 1-based): chr11:47,341,995, C>A on the plus strand (G>T on the coding strand, the complement: MYBPC3 is on the minus strand). VCF-style: chr11-47341995-C-A. GRCh37 (hg19) VCF-style: chr11-47363546-C-A.
Other names: short protein forms G596W.
Identifiers: ClinVar variation 4769496 (VCV004769496.1).

ClinVar aggregate classification (germline): Uncertain significance (1 of 4 stars; one submission).

Conditions:
Hypertrophic cardiomyopathy. Also called: HYPERTROPHIC MYOCARDIOPATHY. Identifiers: Orphanet 217569, MedGen C0007194, MeSH D002312, MONDO:0005045, HP:0001639.

Submission:

Labcorp Genetics (formerly Invitae), Labcorp
Classification: Uncertain significance for Hypertrophic cardiomyopathy. Last evaluated: 2025-04-01. Review status: criteria provided, single submitter. Criteria: Invitae Variant Classification Sherloc (09022015). Collection method: clinical testing. Allele origin: germline.
Comment: This sequence change replaces glycine, which is neutral and non-polar, with tryptophan, which is neutral and slightly polar, at codon 596 of the MYBPC3 protein (p.Gly596Trp). This variant is not present in population databases (gnomAD no frequency). This variant has not been reported in the literature in individuals affected with MYBPC3-related conditions. An algorithm developed to predict the effect of missense changes on protein structure and function (PolyPhen-2) suggests that this variant is likely to be disruptive. In summary, the available evidence is currently insufficient to determine the role of this variant in disease. Therefore, it has been classified as a Variant of Uncertain Significance.